The following is an entry in ClinVar:

ClinVar aggregate classification (germline): Likely pathogenic. Review status: criteria provided, multiple submitters, no conflicts (2 of 4 stars). 2 submissions from 2 submitters: Likely pathogenic (2). Last evaluated 2026-06-22.

Conditions:
Cardiovascular phenotype. Identifiers: MedGen CN230736.
Dilated cardiomyopathy 1G (CMD1G). Identifiers: Orphanet 154, MedGen C1858763, MONDO:0011400, OMIM 604145.
Autosomal recessive limb-girdle muscular dystrophy type 2J (LGMDR10). Also called: Limb-girdle muscular dystrophy, type 2J; MUSCULAR DYSTROPHY, LIMB-GIRDLE, AUTOSOMAL RECESSIVE 10. Identifiers: Orphanet 140922, MedGen C1837342, MONDO:0012127, OMIM 608807.

Submissions (2):

Ambry Genetics
Classification: Likely pathogenic for Cardiovascular phenotype. Last evaluated: 2026-06-22. Review status: criteria provided, single submitter. Criteria: Ambry Variant Classification Scheme 2023. Collection method: clinical testing. Allele origin: germline.
Comment: The p.Q14657* variant (also known as c.43969C>T), located in coding exon 153 of the TTN gene, results from a C to T substitution at nucleotide position 43969. This changes the amino acid from a glutamine to a stop codon within coding exon 153. This exon is located in the A-band region of the N2-B isoform of the titin protein and is constitutively expressed in TTN transcripts (percent spliced in or PSI 100%). This variant is expected to result in loss of function by premature protein truncation or nonsense-mediated mRNA decay. While truncating variants in TTN are present in 1-3% of the general population, truncating variants in the A-band are the most common cause of dilated cardiomyopathy (Herman DS et al. N. Engl. J. Med., 2012 Feb;366:619-28; Roberts AM et al. Sci Transl Med, 2015 Jan;7:270ra6). TTN truncating variants encoded in constitutive exons (PSI >90%) have been found to be significantly associated with DCM regardless of their position in titin (Schafer S et al. Nat. Genet., 2017 01;49:46-53; Akhtar MM et al. Circ Heart Fail, 2020 Oct;13:e006832; Massier M et al. Clin Genet, 2025 Jan). This variant is considered to be rare based on population cohorts in the Genome Aggregation Database (gnomAD). Based on the majority of available evidence to date, this variant is likely to be pathogenic.

Labcorp Genetics (formerly Invitae), Labcorp
Classification: Likely pathogenic for Dilated cardiomyopathy 1G; Autosomal recessive limb-girdle muscular dystrophy type 2J. Last evaluated: 2025-04-13. Review status: criteria provided, single submitter. Criteria: Invitae Variant Classification Sherloc (09022015). Collection method: clinical testing. Allele origin: germline.
Comment: This sequence change creates a premature translational stop signal (p.Gln23722*) in the TTN gene. While this is not anticipated to result in nonsense mediated decay, it is expected to create a truncated TTN protein. This variant is not present in population databases (gnomAD no frequency). This variant has not been reported in the literature in individuals affected with TTN-related conditions. ClinVar contains an entry for this variant (Variation ID: 3755768). This variant is located in the A band of TTN (PMID: 25589632). Truncating variants in this region are significantly overrepresented in patients affected with dilated cardiomyopathy (PMID: 25589632). Truncating variants in this region have also been reported in individuals affected with autosomal recessive centronuclear myopathy (PMID: 23975875). In summary, the currently available evidence indicates that the variant is pathogenic, but additional data are needed to prove that conclusively. Therefore, this variant has been classified as Likely Pathogenic.

Literature cited by the submitters: PubMed 25589632 (cited by Labcorp Genetics (formerly Invitae), Labcorp); PubMed 23975875 (cited by Labcorp Genetics (formerly Invitae), Labcorp).

NM_001267550.2(TTN):c.71164C>T (p.Gln23722Ter)

Genes: TTN (titin; minus strand), TTN-AS1 (TTN antisense RNA 1; plus strand). Cytogenetic location: 2q31.2.
Variant type: single nucleotide variant.
Coding change: c.71164C>T on transcript NM_001267550.2 (MANE Select); coding-DNA position 71164, C replaced by T.
Protein change: p.Gln23722Ter; replaces glutamine 23722 with a stop codon.
Molecular consequence: nonsense.
Genome position (GRCh38, 1-based): chr2:178,574,968, G>A on the plus strand (C>T on the coding strand, the complement: TTN is on the minus strand). VCF-style: chr2-178574968-G-A. GRCh37 (hg19) VCF-style: chr2-179439695-G-A.
Other names: c.66241C>T, p.Gln22081Ter (NM_001256850.1); c.43969C>T, p.Gln14657Ter (NM_003319.4); c.63460C>T, p.Gln21154Ter (NM_133378.4); c.44344C>T, p.Gln14782Ter (NM_133432.3); c.44545C>T, p.Gln14849Ter (NM_133437.4); short protein forms Q14657*, Q14782*, Q14849*, Q21154*, Q22081*, Q23722*.
Identifiers: ClinVar variation 3755768 (VCV003755768.3).
Genomic context (GRCh38, chr2:178,574,968, plus strand): 5'-CAGATGAAACTTCATCAAATTTGATTGGTCCAGTAGGTGGCCCTGGGATATCATGGACTT[G>A]AATGGTGATGACATCACCAACCTCTCCTACAATGTTCCTTGCTGTTAATGGATAGGGCCC-3'